The following is an entry in ClinVar:

NM_017777.4(MKS1):c.465G>A (p.Leu155=)

Gene: MKS1 (MKS transition zone complex subunit 1; minus strand). Cytogenetic location: 17q22.
Variant type: single nucleotide variant.
Coding change: c.465G>A on transcript NM_017777.4 (MANE Select); coding-DNA position 465, G replaced by A.
Protein change: p.Leu155=; no amino-acid change (leucine 155 retained).
Molecular consequence: synonymous variant. On other transcripts: intron variant (1).
Genome position (GRCh38, 1-based): chr17:58,214,791, C>T on the plus strand (G>A on the coding strand, the complement: MKS1 is on the minus strand). VCF-style: chr17-58214791-C-T. GRCh37 (hg19) VCF-style: chr17-56292152-C-T.
Other names: c.465G>A, p.Leu155= (NM_001321269.2, NM_001330397.2); c.-94-404G>A (NM_001321268.2).
Identifiers: ClinVar variation 1308701 (VCV001308701.2), dbSNP rs763755799, ClinGen allele CA8669515.

ClinVar aggregate classification (germline): Uncertain significance (1 of 4 stars; one submission).

Allele frequency attached by ClinVar (database versions not stated): gnomAD exomes below 0.00001; ExAC 0.00001; gnomAD 0.00001; TOPMed 0.00001.
gnomAD v4.1: 2 of 1,606,968 alleles (0.00012%); highest among the groups gnomAD compares: Admixed American, 0.0033%; no homozygotes.

Submission:

GeneDx
Classification: Uncertain significance. Last evaluated: 2019-10-04. Review status: criteria provided, single submitter. Criteria: GeneDx Variant Classification Process June 2021. Collection method: clinical testing. Allele origin: germline. Affected: yes.
Comment: Not observed at a significant frequency in large population cohorts (Lek et al., 2016); Has not been previously published as pathogenic or benign to our knowledge; In-silico analysis, which includes splice predictors and evolutionary conservation, is inconclusive as to whether the variant alters gene splicing. In the absence of RNA/functional studies, the actual effect of this sequence change is unknown